The following is an entry in ClinVar:

NM_000426.4(LAMA2):c.8479T>A (p.Tyr2827Asn)

Gene: LAMA2 (laminin subunit alpha 2; plus strand). Cytogenetic location: 6q22.33.
Variant type: single nucleotide variant.
Coding change: c.8479T>A on transcript NM_000426.4 (MANE Select); coding-DNA position 8479, T replaced by A.
Protein change: p.Tyr2827Asn; replaces tyrosine 2827 with asparagine.
Molecular consequence: missense variant.
Genome position (GRCh38, 1-based): chr6:129,503,212, T>A. VCF-style: chr6-129503212-T-A. GRCh37 (hg19) VCF-style: chr6-129824357-T-A.
Other names: c.8467T>A, p.Tyr2823Asn (NM_001079823.2); short protein forms Y2823N, Y2827N.
Identifiers: ClinVar variation 1709205 (VCV001709205.2), dbSNP rs2533538679, ClinGen allele CA365634241.

ClinVar aggregate classification (germline): Uncertain significance (1 of 4 stars; one submission).

Conditions:
Muscular dystrophy, limb-girdle, autosomal recessive 23. Identifiers: Orphanet 565837, MedGen C4748327, MONDO:0029136, OMIM 618138.

Allele frequency attached by ClinVar (database versions not stated): gnomAD exomes below 0.00001.
gnomAD v4.1: 2 of 1,614,170 alleles (0.00012%); highest among the groups gnomAD compares: Non-Finnish European, 0.00017%; no homozygotes.

Submission:

MGZ Medical Genetics Center
Classification: Uncertain significance for Muscular dystrophy, limb-girdle, autosomal recessive 23. Last evaluated: 2022-05-03. Review status: criteria provided, single submitter. Criteria: ACMG Guidelines, 2015. Collection method: clinical testing. Allele origin: germline. Affected: yes. Observed: 1 variant allele.
Comment: ACMG criteria applied: PM2_SUP, PP3